The following is an entry in ClinVar:

NM_152383.5(DIS3L2):c.33G>A (p.Arg11=)

Gene: DIS3L2 (DIS3 like 3'-5' exoribonuclease 2; plus strand). Cytogenetic location: 2q37.1.
Variant type: single nucleotide variant.
Coding change: c.33G>A on transcript NM_152383.5 (MANE Select); coding-DNA position 33, G replaced by A.
Protein change: p.Arg11=; no amino-acid change (arginine 11 retained).
Molecular consequence: synonymous variant. On other transcripts: non-coding transcript variant (2).
Genome position (GRCh38, 1-based): chr2:232,014,960, G>A. VCF-style: chr2-232014960-G-A. GRCh37 (hg19) VCF-style: chr2-232879670-G-A.
Other names: c.33G>A, p.Arg11= (NM_001257281.2, NM_001257282.2).
Identifiers: ClinVar variation 2201857 (VCV002201857.6), dbSNP rs757314939, ClinGen allele CA2163690.
Genomic context (GRCh38, chr2:232,014,960, plus strand): 5'-GGAGAGAAGAGTGACCTTGGAGCCAATAATGAGCCATCCTGACTACAGAATGAACCTCCG[G>A]CCCCTGGGGACCCCCAGAGGTAGTAAAAGGAAAATGGAGTCTGCCTGAATAACTGGAGAA-3'
Protein context (NP_689596.4, residues 1-21): MSHPDYRMNL[Arg11=]PLGTPRGVSA

ClinVar aggregate classification (germline): Likely benign. Review status: criteria provided, multiple submitters, no conflicts (2 of 4 stars). 3 submissions from 3 submitters: Likely benign (3). Last evaluated 2026-07-01.

Conditions:
Perlman syndrome (PRLMNS). Identifiers: Orphanet 2849, MedGen C0796113, MONDO:0009965, OMIM 267000.

Allele frequency attached by ClinVar (database versions not stated): ExAC 0.00002; gnomAD exomes 0.00002; TOPMed 0.00002; gnomAD 0.00003.
gnomAD v4.1: 38 of 1,613,900 alleles (0.0024%); highest among the groups gnomAD compares: Non-Finnish European, 0.003%; no homozygotes.

Submissions (3):

CeGaT Center for Human Genetics Tuebingen
Classification: Likely benign. Last evaluated: 2026-07-01. Review status: criteria provided, single submitter. Criteria: CeGaT Center For Human Genetics Tuebingen Variant Classification Criteria Version 2. Collection method: clinical testing. Allele origin: germline. Affected: yes. Observed: 1 variant allele.
Comment: DIS3L2: BP4, BP7

Blueprint Genetics
Classification: Likely benign. Last evaluated: 2024-10-15. Review status: criteria provided, single submitter. Criteria: ACMG Guidelines, 2015. Collection method: clinical testing. Allele origin: germline.

Labcorp Genetics (formerly Invitae), Labcorp
Classification: Likely benign for Perlman syndrome. Last evaluated: 2023-02-16. Review status: criteria provided, single submitter. Criteria: Invitae Variant Classification Sherloc (09022015). Collection method: clinical testing. Allele origin: germline.